The following is an entry in ClinVar:

ClinVar aggregate classification (germline): Likely benign (1 of 4 stars; one submission).

Allele frequency attached by ClinVar (database versions not stated): gnomAD 0.00002; TOPMed 0.00002; ExAC 0.00003; gnomAD exomes 0.00003.
gnomAD v4.1: 53 of 1,613,786 alleles (0.0033%); highest among the groups gnomAD compares: Middle Eastern, 0.016%; no homozygotes.

Submission:

CeGaT Center for Human Genetics Tuebingen
Classification: Likely benign. Last evaluated: 2022-05-01. Review status: criteria provided, single submitter. Criteria: CeGaT Center For Human Genetics Tuebingen Variant Classification Criteria Version 2. Collection method: clinical testing. Allele origin: germline. Affected: yes. Observed: 1 variant allele.
Comment: RAPGEF2: BP4, BP7

NM_001394067.2(RAPGEF2):c.3888T>C (p.Gly1296=)

Gene: RAPGEF2 (Rap guanine nucleotide exchange factor 2; plus strand). Cytogenetic location: 4q32.1.
Variant type: single nucleotide variant.
Coding change: c.3888T>C on transcript NM_001394067.2 (MANE Select); coding-DNA position 3888, T replaced by C.
Protein change: p.Gly1296=; no amino-acid change (glycine 1296 retained).
Molecular consequence: synonymous variant.
Genome position (GRCh38, 1-based): chr4:159,352,707, T>C. VCF-style: chr4-159352707-T-C. GRCh37 (hg19) VCF-style: chr4-160273859-T-C.
Other names: c.3963T>C, p.Gly1321= (NM_001351724.5); c.3540T>C, p.Gly1180= (NM_001351725.2, NM_001351726.3); c.3480T>C, p.Gly1160= (NM_001351727.4); c.3528T>C, p.Gly1176= (NM_001351728.4); c.3405T>C, p.Gly1135= (NM_014247.5).
Identifiers: ClinVar variation 2655163 (VCV002655163.24), dbSNP rs769853549, ClinGen allele CA3125087.
Genomic context (GRCh38, chr4:159,352,707, plus strand): 5'-TAGAGAGTCTAATTAATACGGTTGTATTTCTCATGCAGGCTATACTTTGGCTCCCAGTGG[T>C]ACTGTGGATAATTTTTCAGATTCTGGTCACAGTGAAATTTCTTCACGATCCAGTATTGTT-3'
Protein context (NP_001380996.1, residues 1286-1306): PRKGYTLAPS[Gly1296=]TVDNFSDSGH